The following is an entry in ClinVar:

NM_004656.4(BAP1):c.1458C>T (p.Pro486=)

Gene: BAP1 (BRCA1 associated deubiquitinase 1; minus strand). Cytogenetic location: 3p21.1.
Variant type: single nucleotide variant.
Coding change: c.1458C>T on transcript NM_004656.4 (MANE Select); coding-DNA position 1458, C replaced by T.
Protein change: p.Pro486=; no amino-acid change (proline 486 retained).
Molecular consequence: synonymous variant.
Genome position (GRCh38, 1-based): chr3:52,403,687, G>A on the plus strand (C>T on the coding strand, the complement: BAP1 is on the minus strand). VCF-style: chr3-52403687-G-A. GRCh37 (hg19) VCF-style: chr3-52437703-G-A.
Other names: c.1404C>T, p.Pro468= (NM_001410772.1).
Identifiers: ClinVar variation 1773085 (VCV001773085.6), dbSNP rs567707280, ClinGen allele CA74740768.

ClinVar aggregate classification (germline): Benign/Likely benign. Review status: criteria provided, multiple submitters, no conflicts (2 of 4 stars). 3 submissions from 3 submitters: Benign (1); Likely benign (2). Last evaluated 2025-03-14.

Conditions:
Hereditary cancer-predisposing syndrome. Also called: Hereditary Cancer Syndrome; Hereditary neoplastic syndrome; Neoplastic Syndromes, Hereditary; Tumor predisposition. Identifiers: Orphanet 140162, MedGen C0027672, MeSH D009386, MONDO:0015356.
BAP1-related tumor predisposition syndrome (TPDS1). Also called: COMMON Syndrome; TUMOR PREDISPOSITION SYNDROME 1; BAP1 tumor predisposition syndrome; Tumor susceptibility linked to germline BAP1 mutations. Identifiers: Orphanet 289539, MedGen C3280492, MONDO:0013692, OMIM 614327.

Allele frequency attached by ClinVar (database versions not stated): gnomAD 0.00001; 1000 Genomes Project 30x 0.00016; 1000 Genomes Project 0.00020.
gnomAD v4.1: 2 of 1,613,934 alleles (0.00012%); highest among the groups gnomAD compares: Non-Finnish European, 0.00017%; no homozygotes.

Submissions (3):

Labcorp Genetics (formerly Invitae), Labcorp
Classification: Likely benign for BAP1-related tumor predisposition syndrome. Last evaluated: 2025-03-14. Review status: criteria provided, single submitter. Criteria: Invitae Variant Classification Sherloc (09022015). Collection method: clinical testing. Allele origin: germline.

Myriad Genetics, Inc.
Classification: Benign for BAP1-related tumor predisposition syndrome. Last evaluated: 2024-07-16. Review status: criteria provided, single submitter. Criteria: Myriad Autosomal Dominant, Autosomal Recessive and X-Linked Classification Criteria (2023). Collection method: clinical testing. Allele origin: unknown.
Comment: This variant is considered benign. This variant is a silent/synonymous amino acid change and it is not expected to impact splicing.

Ambry Genetics
Classification: Likely benign for Hereditary cancer-predisposing syndrome. Last evaluated: 2022-06-11. Review status: criteria provided, single submitter. Criteria: Ambry Variant Classification Scheme 2023. Collection method: clinical testing. Allele origin: germline.